The following is an entry in ClinVar:

NM_001040436.3(YARS2):c.578T>G (p.Phe193Cys)

Gene: YARS2 (tyrosyl-tRNA synthetase 2; minus strand). Cytogenetic location: 12p11.21.
Variant type: single nucleotide variant.
Coding change: c.578T>G on transcript NM_001040436.3 (MANE Select); coding-DNA position 578, T replaced by G.
Protein change: p.Phe193Cys; replaces phenylalanine 193 with cysteine.
Molecular consequence: missense variant.
Genome position (GRCh38, 1-based): chr12:32,755,297, A>C on the plus strand (T>G on the coding strand, the complement: YARS2 is on the minus strand). VCF-style: chr12-32755297-A-C. GRCh37 (hg19) VCF-style: chr12-32908231-A-C.
Other names: short protein forms F193C.
Identifiers: ClinVar variation 2083015 (VCV002083015.5), dbSNP rs749603290, ClinGen allele CA6508149.

ClinVar aggregate classification (germline): Uncertain significance. Review status: criteria provided, multiple submitters, no conflicts (2 of 4 stars). 3 submissions from 3 submitters: Uncertain significance (3). Last evaluated 2024-12-04.

Conditions:
Inborn genetic diseases. Identifiers: MedGen C0950123, MeSH D030342.

Allele frequency attached by ClinVar (database versions not stated): gnomAD 0.00001; TOPMed 0.00002; ExAC 0.00005; gnomAD exomes 0.00006.
gnomAD v4.1: 36 of 1,613,988 alleles (0.0022%); highest among the groups gnomAD compares: Admixed American, 0.06%; no homozygotes.

Submissions (3):

Labcorp Genetics (formerly Invitae), Labcorp
Classification: Uncertain significance. Last evaluated: 2024-12-04. Review status: criteria provided, single submitter. Criteria: Invitae Variant Classification Sherloc (09022015). Collection method: clinical testing. Allele origin: germline.
Comment: This sequence change replaces phenylalanine, which is neutral and non-polar, with cysteine, which is neutral and slightly polar, at codon 193 of the YARS2 protein (p.Phe193Cys). This variant is present in population databases (rs749603290, gnomAD 0.06%). This variant has not been reported in the literature in individuals affected with YARS2-related conditions. ClinVar contains an entry for this variant (Variation ID: 2083015). Invitae Evidence Modeling of protein sequence and biophysical properties (such as structural, functional, and spatial information, amino acid conservation, physicochemical variation, residue mobility, and thermodynamic stability) indicates that this missense variant is expected to disrupt YARS2 protein function with a positive predictive value of 95%. In summary, the available evidence is currently insufficient to determine the role of this variant in disease. Therefore, it has been classified as a Variant of Uncertain Significance.

Ambry Genetics
Classification: Uncertain significance for Inborn genetic diseases. Last evaluated: 2022-09-29. Review status: criteria provided, single submitter. Criteria: Ambry Variant Classification Scheme 2023. Collection method: clinical testing. Allele origin: germline.

Blueprint Genetics
Classification: Uncertain significance. Last evaluated: 2020-06-03. Review status: criteria provided, single submitter. Criteria: ACMG Guidelines, 2015. Collection method: clinical testing. Allele origin: germline.